The following is an entry in ClinVar:

ClinVar aggregate classification (germline): Benign (1 of 4 stars; one submission).

Conditions:
Familial hemophagocytic lymphohistiocytosis 4 (FHL4). Also called: STX11-Related Familial Hemophagocytic Lymphohistiocytosis (STX11-fHLH). Identifiers: Orphanet 540, MedGen C1863728, MONDO:0011336, OMIM 603552.

Allele frequency attached by ClinVar (database versions not stated): gnomAD 0.00930 and 0.01029; TOPMed 0.01070; 1000 Genomes Project 30x 0.02608; 1000 Genomes Project 0.02875.
gnomAD v4.1: 1,563 of 152,324 alleles (1%); highest among the groups gnomAD compares: East Asian, 10%; 44 homozygotes.

Submission:

Illumina Laboratory Services, Illumina
Classification: Benign for Familial hemophagocytic lymphohistiocytosis 4. Last evaluated: 2018-01-13. Review status: criteria provided, single submitter. Criteria: ICSL Variant Classification Criteria 13 December 2019. Collection method: clinical testing. Allele origin: germline.
Comment: This variant was observed in the ICSL laboratory as part of a predisposition screen in an ostensibly healthy population. It had not been previously curated by ICSL or reported in the Human Gene Mutation Database (HGMD: prior to June 1st, 2018), and was therefore a candidate for classification through an automated scoring system. Utilizing variant allele frequency, disease prevalence and penetrance estimates, and inheritance mode, an automated score was calculated to assess if this variant is too frequent to cause the disease. Based on the score and internal cut-off values, a variant classified as benign is not then subjected to further curation. The score for this variant resulted in a classification of benign for this disease.

NM_003764.4(STX11):c.*2786T>C

Gene: STX11 (syntaxin 11; plus strand). Cytogenetic location: 6q24.2.
Variant type: single nucleotide variant.
Coding change: c.*2786T>C on transcript NM_003764.4 (MANE Select); 2786 bases downstream of the stop codon, T replaced by C.
Molecular consequence: 3 prime UTR variant.
Genome position (GRCh38, 1-based): chr6:144,190,277, T>C. VCF-style: chr6-144190277-T-C. GRCh37 (hg19) VCF-style: chr6-144511414-T-C.
Other names: c.*2786T>C (LRG_113t1).
Identifiers: ClinVar variation 355639 (VCV000355639.5), dbSNP rs60634096, ClinGen allele CA10625997.